The following is an entry in ClinVar:

NM_006914.4(RORB):c.893-1G>A

Gene: RORB (RAR related orphan receptor B; plus strand). Cytogenetic location: 9q21.13.
Variant type: single nucleotide variant.
Coding change: c.893-1G>A on transcript NM_006914.4 (MANE Select); the canonical splice acceptor site of the intron before coding-DNA position 893, G replaced by A.
Molecular consequence: splice acceptor variant.
Genome position (GRCh38, 1-based): chr9:74,665,487, G>A. VCF-style: chr9-74665487-G-A. GRCh37 (hg19) VCF-style: chr9-77280403-G-A.
Other names: c.926-1G>A (NM_001365023.1).
Identifiers: ClinVar variation 2702658 (VCV002702658.3), dbSNP rs2118525941, ClinGen allele CA373770961.

ClinVar aggregate classification (germline): Likely pathogenic (1 of 4 stars; one submission).

Submission:

Labcorp Genetics (formerly Invitae), Labcorp
Classification: Likely pathogenic. Last evaluated: 2024-04-15. Review status: criteria provided, single submitter. Criteria: Invitae Variant Classification Sherloc (09022015). Collection method: clinical testing. Allele origin: germline.
Comment: This sequence change affects an acceptor splice site in intron 6 of the RORB gene. It is expected to disrupt RNA splicing. Variants that disrupt the donor or acceptor splice site typically lead to a loss of protein function (PMID: 16199547), and loss-of-function variants in RORB are known to be pathogenic (PMID: 27352968). This variant is not present in population databases (gnomAD no frequency). This variant has not been reported in the literature in individuals affected with RORB-related conditions. Algorithms developed to predict the effect of sequence changes on RNA splicing suggest that this variant may disrupt the consensus splice site. In summary, the currently available evidence indicates that the variant is pathogenic, but additional data are needed to prove that conclusively. Therefore, this variant has been classified as Likely Pathogenic.

Literature cited by the submitters: PubMed 16199547; PubMed 27352968.